The following is an entry in ClinVar:

NM_001122681.2(SH3BP2):c.467T>C (p.Val156Ala)

Gene: SH3BP2 (SH3 domain binding protein 2; plus strand). Cytogenetic location: 4p16.3.
Variant type: single nucleotide variant.
Coding change: c.467T>C on transcript NM_001122681.2 (MANE Select); coding-DNA position 467, T replaced by C.
Protein change: p.Val156Ala; replaces valine 156 with alanine.
Molecular consequence: missense variant.
Genome position (GRCh38, 1-based): chr4:2,827,268, T>C. VCF-style: chr4-2827268-T-C. GRCh37 (hg19) VCF-style: chr4-2828995-T-C.
Other names: c.551T>C, p.Val184Ala (NM_001145855.2); c.638T>C, p.Val213Ala (NM_001145856.2); c.467T>C, p.Val156Ala (NM_003023.4); short protein forms V156A, V213A, V184A.
Identifiers: ClinVar variation 2727828 (VCV002727828.4), dbSNP rs2530338521, ClinGen allele CA356054516.

ClinVar aggregate classification (germline): Uncertain significance. Review status: criteria provided, multiple submitters, no conflicts (2 of 4 stars). 2 submissions from 2 submitters: Uncertain significance (2). Last evaluated 2024-08-19.

Conditions:
Inborn genetic diseases. Identifiers: MedGen C0950123, MeSH D030342.
Fibrous dysplasia of jaw (CRBM). Also called: Cherubism. Identifiers: Orphanet 184, MedGen C0008029, MONDO:0007315, OMIM 118400.

Allele frequency attached by ClinVar (database versions not stated): gnomAD exomes below 0.00001.
gnomAD v4.1: 5 of 1,614,228 alleles (0.00031%); highest among the groups gnomAD compares: Non-Finnish European, 0.00042%; no homozygotes.

Submissions (2):

Labcorp Genetics (formerly Invitae), Labcorp
Classification: Uncertain significance for Fibrous dysplasia of jaw. Last evaluated: 2024-08-19. Review status: criteria provided, single submitter. Criteria: Invitae Variant Classification Sherloc (09022015). Collection method: clinical testing. Allele origin: germline.
Comment: This sequence change replaces valine, which is neutral and non-polar, with alanine, which is neutral and non-polar, at codon 156 of the SH3BP2 protein (p.Val156Ala). This variant is not present in population databases (gnomAD no frequency). This variant has not been reported in the literature in individuals affected with SH3BP2-related conditions. Invitae Evidence Modeling of protein sequence and biophysical properties (such as structural, functional, and spatial information, amino acid conservation, physicochemical variation, residue mobility, and thermodynamic stability) indicates that this missense variant is not expected to disrupt SH3BP2 protein function with a negative predictive value of 80%. In summary, the available evidence is currently insufficient to determine the role of this variant in disease. Therefore, it has been classified as a Variant of Uncertain Significance.

Ambry Genetics
Classification: Uncertain significance for Inborn genetic diseases. Last evaluated: 2024-04-20. Review status: criteria provided, single submitter. Criteria: Ambry Variant Classification Scheme 2023. Collection method: clinical testing. Allele origin: germline.